The following is an entry in ClinVar:

ClinVar aggregate classification (germline): Uncertain significance (1 of 4 stars; one submission).

Submission:

GeneDx
Classification: Uncertain significance. Last evaluated: 2023-06-30. Review status: criteria provided, single submitter. Criteria: GeneDx Variant Classification Process June 2021. Collection method: clinical testing. Allele origin: germline. Affected: yes.
Comment: Not observed at significant frequency in large population cohorts (gnomAD); In silico analysis supports that this missense variant does not alter protein structure/function; Has not been previously published as pathogenic or benign to our knowledge

NM_000430.4(PAFAH1B1):c.331G>C (p.Val111Leu)

Gene: PAFAH1B1 (platelet activating factor acetylhydrolase 1b regulatory subunit 1; plus strand). Cytogenetic location: 17p13.3.
Variant type: single nucleotide variant.
Coding change: c.331G>C on transcript NM_000430.4 (MANE Select); coding-DNA position 331, G replaced by C.
Protein change: p.Val111Leu; replaces valine 111 with leucine.
Molecular consequence: missense variant.
Genome position (GRCh38, 1-based): chr17:2,667,130, G>C. VCF-style: chr17-2667130-G-C. GRCh37 (hg19) VCF-style: chr17-2570424-G-C.
Other names: short protein forms V111L.
Identifiers: ClinVar variation 3360721 (VCV003360721.1).